The following is an entry in ClinVar:

ClinVar aggregate classification (germline): Uncertain significance (1 of 4 stars; one submission).

Submission:

GeneDx
Classification: Uncertain significance. Last evaluated: 2025-03-06. Review status: criteria provided, single submitter. Criteria: GeneDx Variant Classification Process June 2021. Collection method: clinical testing. Allele origin: germline. Affected: yes.
Comment: Not observed at significant frequency in large population cohorts (gnomAD); In silico analysis supports that this missense variant has a deleterious effect on protein structure/function; Has not been previously published as pathogenic or benign to our knowledge

NM_000193.4(SHH):c.779C>T (p.Pro260Leu)

Gene: SHH (sonic hedgehog signaling molecule; minus strand). Cytogenetic location: 7q36.3.
Variant type: single nucleotide variant.
Coding change: c.779C>T on transcript NM_000193.4 (MANE Select); coding-DNA position 779, C replaced by T.
Protein change: p.Pro260Leu; replaces proline 260 with leucine.
Molecular consequence: missense variant. On other transcripts: intron variant (1).
Genome position (GRCh38, 1-based): chr7:155,803,510, G>A on the plus strand (C>T on the coding strand, the complement: SHH is on the minus strand). VCF-style: chr7-155803510-G-A. GRCh37 (hg19) VCF-style: chr7-155596204-G-A.
Other names: c.301+2786C>T (NM_001310462.2); short protein forms P260L.
Identifiers: ClinVar variation 4082787 (VCV004082787.1).